The following is an entry in ClinVar:

NM_001371986.1(UNC80):c.2942+1G>A

Gene: UNC80 (unc-80 subunit of NALCN channel complex; plus strand). Cytogenetic location: 2q34.
Variant type: single nucleotide variant.
Coding change: c.2942+1G>A on transcript NM_001371986.1 (MANE Select); the canonical splice donor site of the intron after coding-DNA position 2942, G replaced by A.
Molecular consequence: splice donor variant.
Genome position (GRCh38, 1-based): chr2:209,834,169, G>A. VCF-style: chr2-209834169-G-A. GRCh37 (hg19) VCF-style: chr2-210698893-G-A.
Other names: c.2942+1G>A (NM_032504.2); c.2927+1G>A (NM_182587.4).
Identifiers: ClinVar variation 2120465 (VCV002120465.4), dbSNP rs1466053170, ClinGen allele CA350411800.

ClinVar aggregate classification (germline): Likely pathogenic (1 of 4 stars; one submission).

Submission:

Labcorp Genetics (formerly Invitae), Labcorp
Classification: Likely pathogenic. Last evaluated: 2022-04-01. Review status: criteria provided, single submitter. Criteria: Invitae Variant Classification Sherloc (09022015). Collection method: clinical testing. Allele origin: germline.
Comment: This sequence change affects a donor splice site in intron 17 of the UNC80 gene. It is expected to disrupt RNA splicing. Variants that disrupt the donor or acceptor splice site typically lead to a loss of protein function (PMID: 16199547), and loss-of-function variants in UNC80 are known to be pathogenic (PMID: 26545877, 26708751, 26708753). This variant is not present in population databases (gnomAD no frequency). This variant has not been reported in the literature in individuals affected with UNC80-related conditions. Algorithms developed to predict the effect of sequence changes on RNA splicing suggest that this variant may disrupt the consensus splice site. In summary, the currently available evidence indicates that the variant is pathogenic, but additional data are needed to prove that conclusively. Therefore, this variant has been classified as Likely Pathogenic.

Literature cited by the submitters: PubMed 16199547; PubMed 26545877; PubMed 26708751; PubMed 26708753.